The following is an entry in ClinVar:

ClinVar aggregate classification (germline): not provided (0 of 4 stars; one submission).

Conditions:
Familial cold autoinflammatory syndrome 1 (FCAS1). Also called: CRYOPYRIN-ASSOCIATED PERIODIC SYNDROME 1; Familial cold inflammatory syndrome 1. Identifiers: Orphanet 47045, MedGen C4551895, MONDO:0007349, OMIM 120100.

Submission:

Unité médicale des maladies autoinflammatoires, CHRU Montpellier
No classification provided. Condition: Familial cold urticaria. Review status: no classification provided. Collection method: not provided. Allele origin: unknown.
Comment: also involved in OMIM 191900 and 607115

NM_001243133.2(NLRP3):c.1307C>A (p.Thr436Asn)

Gene: NLRP3 (NLR family pyrin domain containing 3; plus strand). Cytogenetic location: 1q44.
Variant type: single nucleotide variant.
Coding change: c.1307C>A on transcript NM_001243133.2 (MANE Select); coding-DNA position 1307, C replaced by A.
Protein change: p.Thr436Asn; replaces threonine 436 with asparagine.
Molecular consequence: missense variant.
Genome position (GRCh38, 1-based): chr1:247,424,756, C>A. VCF-style: chr1-247424756-C-A. GRCh37 (hg19) VCF-style: chr1-247588058-C-A.
Other names: c.1307C>A, p.Thr436Asn (NM_001079821.3, NM_001127461.3, NM_001127462.3 and 1 more transcripts); c.1313C>A, p.Thr438Asn (NM_004895.5); short protein forms T438N, T436N.
Identifiers: ClinVar variation 97923 (VCV000097923.1), dbSNP rs180177433, ClinGen allele CA281173.